The following is an entry in ClinVar:

NM_138927.4(SON):c.4205A>C (p.Tyr1402Ser)

Gene: SON (SON DNA and RNA binding protein; plus strand). Cytogenetic location: 21q22.11.
Variant type: single nucleotide variant.
Coding change: c.4205A>C on transcript NM_138927.4 (MANE Select); coding-DNA position 4205, A replaced by C.
Protein change: p.Tyr1402Ser; replaces tyrosine 1402 with serine.
Molecular consequence: missense variant. On other transcripts: non-coding transcript variant (1), intron variant (1).
Genome position (GRCh38, 1-based): chr21:33,553,436, A>C. VCF-style: chr21-33553436-A-C. GRCh37 (hg19) VCF-style: chr21-34925742-A-C.
Other names: c.4205A>C, p.Tyr1402Ser (NM_001291411.2, NM_032195.3); c.245-3720A>C (NM_001291412.3); short protein forms Y1402S.
Identifiers: ClinVar variation 3361281 (VCV003361281.2).

ClinVar aggregate classification (germline): Uncertain significance (1 of 4 stars; one submission).

gnomAD v4.1: 2 of 1,614,116 alleles (0.00012%); highest among the groups gnomAD compares: Non-Finnish European, 0.00017%; no homozygotes.

Submission:

GeneDx
Classification: Uncertain significance. Last evaluated: 2026-01-16. Review status: criteria provided, single submitter. Criteria: GeneDx Variant Classification Process June 2021. Collection method: clinical testing. Allele origin: germline.
Comment: Not observed at significant frequency in large population cohorts (gnomAD); In silico analysis suggests that this missense variant does not alter protein structure/function; Has not been previously published as pathogenic or benign to our knowledge